The following is an entry in ClinVar:

NM_004415.4(DSP):c.31A>G (p.Ile11Val)

Genes: DSP-AS1 (DSP antisense RNA 1; minus strand), DSP (desmoplakin; plus strand). Cytogenetic location: 6p24.3.
Variant type: single nucleotide variant.
Coding change: c.31A>G on transcript NM_004415.4 (MANE Select); coding-DNA position 31, A replaced by G.
Protein change: p.Ile11Val; replaces isoleucine 11 with valine.
Molecular consequence: missense variant.
Genome position (GRCh38, 1-based): chr6:7,541,946, A>G. VCF-style: chr6-7541946-A-G. GRCh37 (hg19) VCF-style: chr6-7542179-A-G.
Other names: c.31A>G, p.Ile11Val (NM_001008844.3, NM_001319034.2, NM_001406591.1); short protein forms I11V.
Identifiers: ClinVar variation 2117811 (VCV002117811.4), dbSNP rs2533800426, ClinGen allele CA362675514.

ClinVar aggregate classification (germline): Uncertain significance (1 of 4 stars; one submission).

Conditions:
Arrhythmogenic right ventricular dysplasia 8 (ARVD8). Also called: Arrhythmogenic Right Ventricular Dysplasia/Cardiomyopathy 8; ARRHYTHMOGENIC RIGHT VENTRICULAR DYSPLASIA, FAMILIAL, 8; ARRHYTHMOGENIC RIGHT VENTRICULAR CARDIOMYOPATHY 8. Identifiers: MedGen C1843896, MONDO:0011831, OMIM 607450.
Arrhythmogenic cardiomyopathy with wooly hair and keratoderma. Also called: PALMOPLANTAR KERATODERMA WITH LEFT VENTRICULAR CARDIOMYOPATHY AND WOOLLY HAIR; Carvajal syndrome; Dilated cardiomyopathy with woolly hair and keratoderma; Arrhythmogenic cardiomyopathy with woolly hair and keratoderma. Identifiers: Orphanet 65282, MedGen C1854063, MONDO:0011581, OMIM 605676.

Submission:

Labcorp Genetics (formerly Invitae), Labcorp
Classification: Uncertain significance for Arrhythmogenic cardiomyopathy with wooly hair and keratoderma; Arrhythmogenic right ventricular dysplasia 8. Last evaluated: 2022-03-26. Review status: criteria provided, single submitter. Criteria: Invitae Variant Classification Sherloc (09022015). Collection method: clinical testing. Allele origin: germline.
Comment: In summary, the available evidence is currently insufficient to determine the role of this variant in disease. Therefore, it has been classified as a Variant of Uncertain Significance. Algorithms developed to predict the effect of missense changes on protein structure and function are either unavailable or do not agree on the potential impact of this missense change (SIFT: "Deleterious"; PolyPhen-2: "Benign"; Align-GVGD: "Class C0"). This variant has not been reported in the literature in individuals affected with DSP-related conditions. This variant is not present in population databases (gnomAD no frequency). This sequence change replaces isoleucine, which is neutral and non-polar, with valine, which is neutral and non-polar, at codon 11 of the DSP protein (p.Ile11Val).